The following is an entry in ClinVar:

NM_000053.4(ATP7B):c.3944del (p.Lys1315fs)

Gene: ATP7B (ATPase copper transporting beta; minus strand). Cytogenetic location: 13q14.3.
Variant type: Deletion.
Coding change: c.3944del on transcript NM_000053.4 (MANE Select); coding-DNA position 3944, one base deleted (A; older notation c.3944delA).
Protein change: p.Lys1315fs; shifts the reading frame from lysine 1315.
Molecular consequence: frameshift variant.
Genome position (GRCh38, 1-based): chr13:51,937,353, T deleted on the plus strand (A on the coding strand, the reverse complement: ATP7B is on the minus strand); the first of 2 consecutive T bases (chr13:51,937,353-51,937,354); deleting either gives the same sequence. VCF-style (leftmost placement, unchanged base first): chr13-51937352-CT-C. GRCh37 (hg19) VCF-style: chr13-52511488-CT-C.
Other names: c.3323del, p.Lys1108fs (NM_001005918.3); c.3611del, p.Lys1204fs (NM_001243182.2); c.3710del, p.Lys1237fs (NM_001330578.2, NM_001406527.1, NM_001406528.1); c.3692del, p.Lys1231fs (NM_001330579.2, NM_001406531.1, NM_001406532.1); c.3944del, p.Lys1315fs (NM_001406511.1, NM_001406512.1); c.3938del, p.Lys1313fs (NM_001406513.1); c.3911del, p.Lys1304fs (NM_001406514.1); c.3890del, p.Lys1297fs (NM_001406515.1, NM_001406516.1); and 21 more; short protein forms K1034fs, K1088fs, K1099fs, K1108fs, K1121fs, K1151fs, K1153fs, K1166fs.
Identifiers: ClinVar variation 5014087 (VCV005014087.1).
Genomic context (GRCh38, chr13:51,937,352, plus strand): 5'-CCCAACCAGGTTATAAATCAGTGCCAGGACCAGGTTGATGCGTATCCTTCGGACAGTCCT[CT>C]TGGAAAGGTGAATGCTAGCCACCACATCCAGCAAATCATTCTGATGGAGAGGAGCACACA-3'

ClinVar aggregate classification (germline): Pathogenic (1 of 4 stars; one submission).

Conditions:
Wilson disease (WND). Also called: Wilson's disease. Identifiers: Orphanet 905, MedGen C0019202, MONDO:0010200, OMIM 277900. Disease mechanism: loss of function.

Submission:

Myriad Genetics, Inc.
Classification: Pathogenic for Wilson disease. Last evaluated: 2025-02-10. Review status: criteria provided, single submitter. Criteria: Myriad Autosomal Dominant, Autosomal Recessive and X-Linked Classification Criteria (2023). Collection method: clinical testing. Allele origin: unknown.
Comment: NM_000053.3(ATP7B):c.3944delA(K1315Rfs*15) is expected to be pathogenic in the context of Wilson disease. This variant is predicted to lead to an abnormal or absent protein product due to the creation of a premature termination codon in ATP7B, a gene where loss-of-function variants are known to be pathogenic. Please note: this variant was assessed in the context of healthy population screening.